The following is an entry in ClinVar:

ClinVar aggregate classification (germline): Uncertain significance. Review status: criteria provided, multiple submitters, no conflicts (2 of 4 stars). 2 submissions from 2 submitters: Uncertain significance (2). Last evaluated 2020-10-09.

Conditions:
Ataxia-telangiectasia syndrome (AT). Also called: ATAXIA-TELANGIECTASIA, COMPLEMENTATION GROUP A; ATAXIA-TELANGIECTASIA, FRESNO VARIANT; Ataxia-telangiectasia; Ataxia-telangiectasia, complementation group D; AT, COMPLEMENTATION GROUP C; Ataxia-telangiectasia, complementation group E. Identifiers: Orphanet 100, MedGen C0004135, MONDO:0008840, OMIM 208900.

Submissions (2):

Labcorp Genetics (formerly Invitae), Labcorp
Classification: Uncertain significance for Ataxia-telangiectasia syndrome. Last evaluated: 2020-10-09. Review status: criteria provided, single submitter. Criteria: Invitae Variant Classification Sherloc (09022015). Collection method: clinical testing. Allele origin: germline.
Comment: In summary, the available evidence is currently insufficient to determine the role of this variant in disease. Therefore, it has been classified as a Variant of Uncertain Significance. Experimental studies and prediction algorithms are not available or were not evaluated, and the functional significance of this variant is currently unknown. This variant has not been reported in the literature in individuals with ATM-related conditions. ClinVar contains an entry for this variant (Variation ID: 852278). This variant is not present in population databases (ExAC no frequency). This variant, c.7039_7041dup, results in the insertion of 1 amino acid(s) to the ATM protein (p.Glu2347dup), but otherwise preserves the integrity of the reading frame.

GeneDx
Classification: Uncertain significance. Last evaluated: 2019-09-17. Review status: criteria provided, single submitter. Criteria: GeneDx Variant Classification Process June 2021. Collection method: clinical testing. Allele origin: germline. Affected: yes.
Comment: In-frame insertion of 1amino acid in a non-repeat region; Not observed in large population cohorts (Lek et al., 2016); Has not been previously published as pathogenic or benign to our knowledge

NM_000051.4(ATM):c.7039_7041dup (p.Glu2347_Thr2348insGlu)

Genes: ATM (ATM serine/threonine kinase; plus strand), C11orf65 (chromosome 11 open reading frame 65; minus strand). Cytogenetic location: 11q22.3.
Variant type: Duplication.
Coding change: c.7039_7041dup on transcript NM_000051.4 (MANE Select); coding-DNA positions 7039 to 7041, 3 bases duplicated (GAA; older notation c.7039_7041dupGAA).
Protein change: p.Glu2347_Thr2348insGlu.
Molecular consequence: inframe insertion. On other transcripts: intron variant (2).
Genome position (GRCh38, 1-based): chr11:108,327,708-108,327,710, GAA duplicated; duplicating any 3 consecutive bases within chr11:108,327,707-108,327,710 gives the same sequence; the c. name uses the placement nearest the transcript's 3' end. VCF-style (leftmost placement, unchanged base first): chr11-108327706-C-CAGA. GRCh37 (hg19) VCF-style: chr11-108198433-C-CAGA.
Other names: c.7039_7041dup, p.Glu2347_Thr2348insGlu (NM_001351834.2); c.641-18638_641-18636dup (NM_001330368.2); c.*38+7511_*38+7513dup (NM_001351110.2).
Identifiers: ClinVar variation 852278 (VCV000852278.13), dbSNP rs2085819624, ClinGen allele CA916080500.
Genomic context (GRCh38, chr11:108,327,706, plus strand): 5'-ACAATCCCAGCCTAAAACTTACATACACAGAATGTCTGAGGGTTTGTGGCAACTGGTTAG[C>CAGA]AGAAACGTGCTTAGAAAATCCTGCGGTCATCATGCAGACCTATCTAGAAAAGGTAAGATT-3'